The following is an entry in ClinVar:

NM_012330.4(KAT6B):c.3376C>A (p.Pro1126Thr)

Gene: KAT6B (lysine acetyltransferase 6B; plus strand). Cytogenetic location: 10q22.2.
Variant type: single nucleotide variant.
Coding change: c.3376C>A on transcript NM_012330.4 (MANE Select); coding-DNA position 3376, C replaced by A.
Protein change: p.Pro1126Thr; replaces proline 1126 with threonine.
Molecular consequence: missense variant.
Genome position (GRCh38, 1-based): chr10:75,024,961, C>A. VCF-style: chr10-75024961-C-A. GRCh37 (hg19) VCF-style: chr10-76784719-C-A.
Other names: c.2500C>A, p.Pro834Thr (NM_001370140.1, NM_001370141.1, NM_001370142.1 and 2 more transcripts); c.2311C>A, p.Pro771Thr (NM_001370143.1, NM_001370144.1); c.2827C>A, p.Pro943Thr (NM_001256468.2, NM_001370138.1); c.2338C>A, p.Pro780Thr (NM_001370132.1); c.1687C>A, p.Pro563Thr (NM_001370133.1); c.1291C>A, p.Pro431Thr (NM_001370134.1); c.1033C>A, p.Pro345Thr (NM_001370135.1); c.3376C>A, p.Pro1126Thr (NM_001370136.1, NM_001370137.1); short protein forms P345T, P834T, P563T, P943T, P780T, P1126T, P431T, P771T.
Identifiers: ClinVar variation 2525637 (VCV002525637.5), dbSNP rs767796290, ClinGen allele CA5564822.
Genomic context (GRCh38, chr10:75,024,961, plus strand): 5'-ACTCAACCATTTAATTTCTCATGAGCTCTTATGTGTTATGTTTGGAATTAATTTCAGAGG[C>A]CTTTTGTACTAAAGAAGAAAAGGGGTCGTAAACGCAGGAGGATCAACAGCAGTGTAACAA-3'
Protein context (NP_036462.2, residues 1116-1136): PQSVAIKRKR[Pro1126Thr]FVLKKKRGRK

ClinVar aggregate classification (germline): Conflicting classifications of pathogenicity. Review status: criteria provided, conflicting classifications (1 of 4 stars). 2 submissions from 2 submitters: Uncertain significance (1); Likely benign (1). Last evaluated 2023-07-03.

Conditions:
Genitopatellar syndrome (GTPTS). Also called: Genitopatellar syndrome (GPS); ABSENT PATELLAE, SCROTAL HYPOPLASIA, RENAL ANOMALIES, FACIAL DYSMORPHISM, AND MENTAL RETARDATION. Identifiers: Orphanet 85201, MedGen C1853566, MONDO:0011640, OMIM 606170.
Inborn genetic diseases. Identifiers: MedGen C0950123, MeSH D030342.

Allele frequency attached by ClinVar (database versions not stated): ExAC 0.00002.
gnomAD v4.1: 43 of 1,613,920 alleles (0.0027%); highest among the groups gnomAD compares: Non-Finnish European, 0.0034%; no homozygotes.

Submissions (2):

Labcorp Genetics (formerly Invitae), Labcorp
Classification: Uncertain significance for Genitopatellar syndrome. Last evaluated: 2023-07-03. Review status: criteria provided, single submitter. Criteria: Invitae Variant Classification Sherloc (09022015). Collection method: clinical testing. Allele origin: germline.
Comment: In summary, the available evidence is currently insufficient to determine the role of this variant in disease. Therefore, it has been classified as a Variant of Uncertain Significance. Advanced modeling of protein sequence and biophysical properties (such as structural, functional, and spatial information, amino acid conservation, physicochemical variation, residue mobility, and thermodynamic stability) performed at Invitae indicates that this missense variant is not expected to disrupt KAT6B protein function. This variant has not been reported in the literature in individuals affected with KAT6B-related conditions. This variant is present in population databases (rs767796290, gnomAD 0.004%). This sequence change replaces proline, which is neutral and non-polar, with threonine, which is neutral and polar, at codon 1126 of the KAT6B protein (p.Pro1126Thr).

Ambry Genetics
Classification: Likely benign for Inborn genetic diseases. Last evaluated: 2023-04-24. Review status: criteria provided, single submitter. Criteria: Ambry Variant Classification Scheme 2023. Collection method: clinical testing. Allele origin: germline.